The following is an entry in ClinVar:

ClinVar aggregate classification (germline): Uncertain significance. Review status: criteria provided, multiple submitters, no conflicts (2 of 4 stars). 3 submissions from 3 submitters: Uncertain significance (3). Last evaluated 2026-08-12.

Conditions:
MYH6-related disorder. Also called: MYH6-Related Disorders; MYH6-related condition.
Cardiovascular phenotype. Identifiers: MedGen CN230736.
Hypertrophic cardiomyopathy 14. Identifiers: MedGen C2750467, MONDO:0013197, OMIM 613251.

Allele frequency attached by ClinVar (database versions not stated): gnomAD exomes below 0.00001; TOPMed 0.00002.
gnomAD v4.1: 6 of 1,605,456 alleles (0.00037%); highest among the groups gnomAD compares: African/African-American, 0.004%; no homozygotes.

Submissions (3):

Ambry Genetics
Classification: Uncertain significance for Cardiovascular phenotype. Last evaluated: 2026-08-12. Review status: criteria provided, single submitter. Criteria: Ambry Variant Classification Scheme 2023. Collection method: clinical testing. Allele origin: germline.
Comment: The c.3412C>T (p.R1138C) alteration is located in exon 26 (coding exon 24) of the MYH6 gene. This alteration results from a C to T substitution at nucleotide position 3412, causing the arginine (R) at amino acid position 1138 to be replaced by a cysteine (C). Based on data from gnomAD, the T allele has an overall frequency of <0.001% (0/237030) total alleles studied. The highest observed frequency was <0.001% (/) of alleles. Based on insufficient or conflicting evidence, the clinical significance of this alteration remains unclear.

PreventionGenetics, part of Exact Sciences
Classification: Uncertain significance for MYH6-related condition. Last evaluated: 2026-05-18. Review status: criteria provided, single submitter. Criteria: ACMG Guidelines, 2015. Collection method: clinical testing. Allele origin: germline.
Comment: The MYH6 c.3412C>T variant is predicted to result in the amino acid substitution p.Arg1138Cys. To our knowledge, this variant has not been reported in the literature. This variant is reported in 0.0% of alleles in individuals of African descent in gnomAD. At this time, the clinical significance of this variant is uncertain due to the absence of conclusive functional and genetic evidence.

Labcorp Genetics (formerly Invitae), Labcorp
Classification: Uncertain significance for Hypertrophic cardiomyopathy 14. Last evaluated: 2023-10-23. Review status: criteria provided, single submitter. Criteria: Invitae Variant Classification Sherloc (09022015). Collection method: clinical testing. Allele origin: germline.
Comment: This sequence change replaces arginine, which is basic and polar, with cysteine, which is neutral and slightly polar, at codon 1138 of the MYH6 protein (p.Arg1138Cys). This variant is not present in population databases (gnomAD no frequency). This variant has not been reported in the literature in individuals affected with MYH6-related conditions. ClinVar contains an entry for this variant (Variation ID: 1404687). Advanced modeling of protein sequence and biophysical properties (such as structural, functional, and spatial information, amino acid conservation, physicochemical variation, residue mobility, and thermodynamic stability) performed at Invitae indicates that this missense variant is expected to disrupt MYH6 protein function. In summary, the available evidence is currently insufficient to determine the role of this variant in disease. Therefore, it has been classified as a Variant of Uncertain Significance.

NM_002471.4(MYH6):c.3412C>T (p.Arg1138Cys)

Gene: MYH6 (myosin heavy chain 6; minus strand). Cytogenetic location: 14q11.2.
Variant type: single nucleotide variant.
Coding change: c.3412C>T on transcript NM_002471.4 (MANE Select); coding-DNA position 3412, C replaced by T.
Protein change: p.Arg1138Cys; replaces arginine 1138 with cysteine.
Molecular consequence: missense variant.
Genome position (GRCh38, 1-based): chr14:23,390,377, G>A on the plus strand (C>T on the coding strand, the complement: MYH6 is on the minus strand). VCF-style: chr14-23390377-G-A. GRCh37 (hg19) VCF-style: chr14-23859586-G-A.
Other names: short protein forms R1138C.
Identifiers: ClinVar variation 1404687 (VCV001404687.13), dbSNP rs1368246967, ClinGen allele CA389006499.
Genomic context (GRCh38, chr14:23,390,377, plus strand): 5'-CCCCGCCGGCCTCTTCCAGCCGCTCGCTGATCTCCTCCAGCTCCCGAGACAGGTCTGAGC[G>A]CAGCTTCTCCACCTTAGCCCTGGCGGTGCGCTCGGCCTCCAGCTCCTCCTCCAGCTCCTC-3'
Protein context (NP_002462.2, residues 1128-1148): RTARAKVEKL[Arg1138Cys]SDLSRELEEI